The following is an entry in ClinVar:

NM_005055.5(RAPSN):c.724dup (p.Arg242fs)

Gene: RAPSN (receptor associated protein of the synapse; minus strand). Cytogenetic location: 11p11.2.
Variant type: Duplication.
Coding change: c.724dup on transcript NM_005055.5 (MANE Select); coding-DNA position 724, one base duplicated (C; older notation c.724dupC).
Protein change: p.Arg242fs; shifts the reading frame from arginine 242.
Molecular consequence: frameshift variant.
Genome position (GRCh38, 1-based): chr11:47,441,888, G duplicated on the plus strand (C on the coding strand, the reverse complement: RAPSN is on the minus strand); the first of 2 consecutive G bases (chr11:47,441,888-47,441,889); duplicating either gives the same sequence. VCF-style (leftmost placement, unchanged base first): chr11-47441887-C-CG. GRCh37 (hg19) VCF-style: chr11-47463439-C-CG.
Other names: c.724dup, p.Arg242fs (NM_001440490.1, NM_001440491.1, NM_001440492.1 and 8 more transcripts); c.565dup, p.Arg189fs (NM_001440493.1, NM_001440499.1, NM_001440502.1 and 1 more transcripts); c.385dup, p.Arg129fs (NM_001440504.1); short protein forms R129fs, R189fs, R242fs.
Identifiers: ClinVar variation 5011903 (VCV005011903.1).

ClinVar aggregate classification (germline): Pathogenic (1 of 4 stars; one submission).

Conditions:
RAPSN-related disorder. Also called: RAPSN-related condition; RAPSN-related disorders. Identifiers: MedGen CN239397.

Submission:

Myriad Genetics, Inc.
Classification: Pathogenic for RAPSN-related disorder. Last evaluated: 2023-09-27. Review status: criteria provided, single submitter. Criteria: Myriad Autosomal Dominant, Autosomal Recessive and X-Linked Classification Criteria (2023). Collection method: clinical testing. Allele origin: unknown.
Comment: NM_005055.4(RAPSN):c.724dupC(R242Pfs*13) is expected to be pathogenic in the context of RAPSN-related disorders. This variant is predicted to lead to an abnormal or absent protein product due to the creation of a premature termination codon in RAPSN, a gene where loss-of-function variants are known to be pathogenic. Please note: this variant was assessed in the context of healthy population screening.